The following is an entry in ClinVar:

ClinVar aggregate classification (germline): Uncertain significance. Review status: criteria provided, multiple submitters, no conflicts (2 of 4 stars). 2 submissions from 2 submitters: Uncertain significance (2). Last evaluated 2025-04-24.

Conditions:
Inborn genetic diseases. Identifiers: MedGen C0950123, MeSH D030342.
Nemaline myopathy 8 (NEM8). Also called: Nemaline myopathy 8, autosomal recessive. Identifiers: Orphanet 171430, MedGen C3809209, MONDO:0014138, OMIM 615348.

Allele frequency attached by ClinVar (database versions not stated): TOPMed 0.00004.

Submissions (2):

Ambry Genetics
Classification: Uncertain significance for Inborn genetic diseases. Last evaluated: 2025-04-24. Review status: criteria provided, single submitter. Criteria: Ambry Variant Classification Scheme 2023. Collection method: clinical testing. Allele origin: germline.

Labcorp Genetics (formerly Invitae), Labcorp
Classification: Uncertain significance for Nemaline myopathy 8. Last evaluated: 2022-07-06. Review status: criteria provided, single submitter. Criteria: Invitae Variant Classification Sherloc (09022015). Collection method: clinical testing. Allele origin: germline.
Comment: This sequence change replaces alanine, which is neutral and non-polar, with serine, which is neutral and polar, at codon 298 of the KLHL40 protein (p.Ala298Ser). This variant is present in population databases (rs777146142, gnomAD 0.05%). This variant has not been reported in the literature in individuals affected with KLHL40-related conditions. ClinVar contains an entry for this variant (Variation ID: 1056343). Algorithms developed to predict the effect of missense changes on protein structure and function (SIFT, PolyPhen-2, Align-GVGD) all suggest that this variant is likely to be tolerated. In summary, the available evidence is currently insufficient to determine the role of this variant in disease. Therefore, it has been classified as a Variant of Uncertain Significance.

NM_152393.4(KLHL40):c.892G>T (p.Ala298Ser)

Gene: KLHL40 (kelch like family member 40; plus strand). Cytogenetic location: 3p22.1.
Variant type: single nucleotide variant.
Coding change: c.892G>T on transcript NM_152393.4 (MANE Select); coding-DNA position 892, G replaced by T.
Protein change: p.Ala298Ser; replaces alanine 298 with serine.
Molecular consequence: missense variant.
Genome position (GRCh38, 1-based): chr3:42,686,510, G>T. VCF-style: chr3-42686510-G-T. GRCh37 (hg19) VCF-style: chr3-42728002-G-T.
Other names: c.892G>T (NM_152393.2); short protein forms A298S.
Identifiers: ClinVar variation 1056343 (VCV001056343.3), dbSNP rs777146142, ClinGen allele CA2336757.